The following is an entry in ClinVar:

ClinVar aggregate classification (germline): Likely benign (0 of 4 stars; one submission).

Conditions:
PIAS4-related disorder. Also called: PIAS4-related condition.

Allele frequency attached by ClinVar (database versions not stated): TOPMed 0.00003; gnomAD 0.00005; gnomAD exomes 0.00011; ExAC 0.00013.
gnomAD v4.1: 174 of 1,612,034 alleles (0.011%); highest among the groups gnomAD compares: South Asian, 0.13%; 4 homozygotes.

Submission:

PreventionGenetics, part of Exact Sciences
Classification: Likely benign for PIAS4-related condition. Last evaluated: 2022-09-15. Review status: no assertion criteria provided. Collection method: clinical testing. Allele origin: germline.
Comment: This variant is classified as likely benign based on ACMG/AMP sequence variant interpretation guidelines (Richards et al. 2015 PMID: 25741868, with internal and published modifications).

NM_015897.4(PIAS4):c.1330C>T (p.Leu444=)

Gene: PIAS4 (protein inhibitor of activated STAT 4; plus strand). Cytogenetic location: 19p13.3.
Variant type: single nucleotide variant.
Coding change: c.1330C>T on transcript NM_015897.4 (MANE Select); coding-DNA position 1330, C replaced by T.
Protein change: p.Leu444=; no amino-acid change (leucine 444 retained).
Molecular consequence: synonymous variant.
Genome position (GRCh38, 1-based): chr19:4,037,672, C>T. VCF-style: chr19-4037672-C-T. GRCh37 (hg19) VCF-style: chr19-4037670-C-T.
Identifiers: ClinVar variation 3043915 (VCV003043915.2), dbSNP rs756402012, ClinGen allele CA9090241.